The following is an entry in ClinVar:

NM_182746.3(MCM4):c.1175-20T>G

Gene: MCM4 (minichromosome maintenance complex component 4; plus strand). Cytogenetic location: 8q11.21.
Variant type: single nucleotide variant.
Coding change: c.1175-20T>G on transcript NM_182746.3 (MANE Select); 20 bases into the intron before coding-DNA position 1175, T replaced by G.
Molecular consequence: intron variant.
Genome position (GRCh38, 1-based): chr8:47,969,778, T>G. VCF-style: chr8-47969778-T-G. GRCh37 (hg19) VCF-style: chr8-48882338-T-G.
Other names: c.1175-20T>G (NM_005914.4).
Identifiers: ClinVar variation 2128631 (VCV002128631.4), dbSNP rs2551884406, ClinGen allele CA2579162994.

ClinVar aggregate classification (germline): Uncertain significance (1 of 4 stars; one submission).

Allele frequency attached by ClinVar (database versions not stated): gnomAD exomes below 0.00001.

Submission:

Labcorp Genetics (formerly Invitae), Labcorp
Classification: Uncertain significance. Last evaluated: 2024-11-05. Review status: criteria provided, single submitter. Criteria: Invitae Variant Classification Sherloc (09022015). Collection method: clinical testing. Allele origin: germline.
Comment: This sequence change falls in intron 9 of the MCM4 gene. It does not directly change the encoded amino acid sequence of the MCM4 protein. This variant is not present in population databases (gnomAD no frequency). This variant has not been reported in the literature in individuals affected with MCM4-related conditions. ClinVar contains an entry for this variant (Variation ID: 2128631). Algorithms developed to predict the effect of sequence changes on RNA splicing suggest that this variant may disrupt the consensus splice site. In summary, the available evidence is currently insufficient to determine the role of this variant in disease. Therefore, it has been classified as a Variant of Uncertain Significance.